The following is an entry in ClinVar:

NM_004715.5(CTDP1):c.187G>T (p.Ala63Ser)

Gene: CTDP1 (CTD phosphatase subunit 1; plus strand). Cytogenetic location: 18q23.
Variant type: single nucleotide variant.
Coding change: c.187G>T on transcript NM_004715.5 (MANE Select); coding-DNA position 187, G replaced by T.
Protein change: p.Ala63Ser; replaces alanine 63 with serine.
Molecular consequence: missense variant.
Genome position (GRCh38, 1-based): chr18:79,680,134, G>T. VCF-style: chr18-79680134-G-T. GRCh37 (hg19) VCF-style: chr18-77440134-G-T.
Other names: c.187G>T, p.Ala63Ser (NM_001318511.2, NM_048368.4); short protein forms A63S.
Identifiers: ClinVar variation 2111273 (VCV002111273.4), dbSNP rs1396868995, ClinGen allele CA402825134.

ClinVar aggregate classification (germline): Uncertain significance (1 of 4 stars; one submission).

Allele frequency attached by ClinVar (database versions not stated): TOPMed 0.00001.
gnomAD v4.1: 1 of 1,432,350 alleles (0.00007%); highest among the groups gnomAD compares: Non-Finnish European, 0.000091%; no homozygotes.

Submission:

Labcorp Genetics (formerly Invitae), Labcorp
Classification: Uncertain significance. Last evaluated: 2022-03-16. Review status: criteria provided, single submitter. Criteria: Invitae Variant Classification Sherloc (09022015). Collection method: clinical testing. Allele origin: germline.
Comment: In summary, the available evidence is currently insufficient to determine the role of this variant in disease. Therefore, it has been classified as a Variant of Uncertain Significance. Algorithms developed to predict the effect of missense changes on protein structure and function output the following: SIFT: "Tolerated"; PolyPhen-2: "Benign"; Align-GVGD: "Class C0". The serine amino acid residue is found in multiple mammalian species, which suggests that this missense change does not adversely affect protein function. This variant has not been reported in the literature in individuals affected with CTDP1-related conditions. This variant is not present in population databases (gnomAD no frequency). This sequence change replaces alanine, which is neutral and non-polar, with serine, which is neutral and polar, at codon 63 of the CTDP1 protein (p.Ala63Ser).